The following is an entry in ClinVar:

NM_182961.4(SYNE1):c.17713G>T (p.Glu5905Ter)

Gene: SYNE1 (spectrin repeat containing nuclear envelope protein 1; minus strand). Cytogenetic location: 6q25.2.
Variant type: single nucleotide variant.
Coding change: c.17713G>T on transcript NM_182961.4 (MANE Select); coding-DNA position 17713, G replaced by T.
Protein change: p.Glu5905Ter; replaces glutamic acid 5905 with a stop codon.
Molecular consequence: nonsense.
Genome position (GRCh38, 1-based): chr6:152,294,097, C>A on the plus strand (G>T on the coding strand, the complement: SYNE1 is on the minus strand). VCF-style: chr6-152294097-C-A. GRCh37 (hg19) VCF-style: chr6-152615232-C-A.
Other names: c.17500G>T, p.Glu5834Ter (NM_033071.5); short protein forms E5834*, E5905*.
Identifiers: ClinVar variation 2948740 (VCV002948740.3), dbSNP rs930062661, ClinGen allele CA366101205.

ClinVar aggregate classification (germline): Pathogenic (1 of 4 stars; one submission).

Conditions:
Emery-Dreifuss muscular dystrophy 4, autosomal dominant (EDMD4). Also called: EMERY-DREIFUSS MUSCULAR DYSTROPHY 4 WITH VARIABLE FEATURES. Identifiers: Orphanet 261, MedGen C2751807, MONDO:0013071, OMIM 612998.
Autosomal recessive ataxia, Beauce type. Also called: Spinocerebellar ataxia, autosomal recessive 8; ATAXIA, RECESSIVE, OF BEAUCE; SYNE1-Related Autosomal Recessive Cerebellar Ataxia; SYNE1 Deficiency. Identifiers: Orphanet 88644, MedGen C1853116, MONDO:0012549, OMIM 610743.

Submission:

Labcorp Genetics (formerly Invitae), Labcorp
Classification: Pathogenic for Emery-Dreifuss muscular dystrophy 4, autosomal dominant; Autosomal recessive ataxia, Beauce type. Last evaluated: 2023-08-11. Review status: criteria provided, single submitter. Criteria: Invitae Variant Classification Sherloc (09022015). Collection method: clinical testing. Allele origin: germline.
Comment: For these reasons, this variant has been classified as Pathogenic. This variant has not been reported in the literature in individuals affected with SYNE1-related conditions. This variant is not present in population databases (gnomAD no frequency). This sequence change creates a premature translational stop signal (p.Glu5834*) in the SYNE1 gene. It is expected to result in an absent or disrupted protein product. Loss-of-function variants in SYNE1 are known to be pathogenic (PMID: 19542096, 24319099, 27086870).

Literature cited by the submitters: PubMed 19542096; PubMed 24319099; PubMed 27086870.